The following is an entry in ClinVar:

ClinVar aggregate classification (germline): Pathogenic/Likely pathogenic. Review status: criteria provided, multiple submitters, no conflicts (2 of 4 stars). 2 submissions from 2 submitters: Pathogenic (1); Likely pathogenic (1). Last evaluated 2026-07-01.

Conditions:
Glycogen storage disease, type II (IOPD). Also called: CARDIOMEGALIA GLYCOGENICA DIFFUSA; GLYCOGENOSIS, GENERALIZED, CARDIAC FORM; GSD II; Glycogen storage disease type 2; Acid maltase deficiency disease; Aglucosidase alfa. Identifiers: Orphanet 365, MedGen C0017921, MONDO:0009290, OMIM 232300.

Submissions (2):

Genomenon, Inc
Classification: Pathogenic for Glycogen storage disease, type II. Last evaluated: 2026-07-01. Review status: criteria provided, single submitter. Criteria: Genomenon Sequence Variant Interpretation Standards - Updated. Collection method: curation. Allele origin: germline. Affected: yes.
Comment: GAA p.Gln776Ter (c.2326C>T) is a nonsense variant that introduces a premature stop codon at amino acid position 776 and is predicted to result in a truncated or absent protein product. This variant has been observed in at least one proband with a GAA-related disorder (PMID:18495398). It is absent or not present at a significant frequency in gnomAD. In conclusion, we classify GAA p.Gln776Ter (c.2326C>T) as a pathogenic variant.

Fulgent Genetics
Classification: Likely pathogenic for Glycogen storage disease, type II. Last evaluated: 2024-03-20. Review status: criteria provided, single submitter. Criteria: ACMG Guidelines, 2015. Collection method: clinical testing. Allele origin: germline.

Literature cited by the submitters: PubMed 18495398 (cited by Genomenon, Inc).

NM_000152.5(GAA):c.2326C>T (p.Gln776Ter)

Gene: GAA (alpha glucosidase; plus strand). Cytogenetic location: 17q25.3.
Variant type: single nucleotide variant.
Coding change: c.2326C>T on transcript NM_000152.5 (MANE Select); coding-DNA position 2326, C replaced by T.
Protein change: p.Gln776Ter; replaces glutamine 776 with a stop codon.
Molecular consequence: nonsense.
Genome position (GRCh38, 1-based): chr17:80,117,104, C>T. VCF-style: chr17-80117104-C-T. GRCh37 (hg19) VCF-style: chr17-78090903-C-T.
Other names: c.2326C>T, p.Gln776Ter (NM_001079803.3, NM_001079804.3, NM_001406741.1 and 1 more transcripts); short protein forms Q776*.
Identifiers: ClinVar variation 3583102 (VCV003583102.2).